The following is an entry in ClinVar:

NM_000238.4(KCNH2):c.1478A>G (p.Tyr493Cys)

Gene: KCNH2 (potassium voltage-gated channel subfamily H member 2; minus strand). Cytogenetic location: 7q36.1.
Variant type: single nucleotide variant.
Coding change: c.1478A>G on transcript NM_000238.4 (MANE Select); coding-DNA position 1478, A replaced by G.
Protein change: p.Tyr493Cys; replaces tyrosine 493 with cysteine.
Molecular consequence: missense variant.
Genome position (GRCh38, 1-based): chr7:150,952,504, T>C on the plus strand (A>G on the coding strand, the complement: KCNH2 is on the minus strand). VCF-style: chr7-150952504-T-C. GRCh37 (hg19) VCF-style: chr7-150649592-T-C.
Other names: c.1478A>G (LRG_288t1); c.458A>G, p.Tyr153Cys (NM_001204798.2, NM_172057.3); c.1190A>G, p.Tyr397Cys (NM_001406753.1, NM_001406756.1); c.1301A>G, p.Tyr434Cys (NM_001406755.1); c.1178A>G, p.Tyr393Cys (NM_001406757.1); c.1478A>G, p.Tyr493Cys (NM_172056.3); short protein forms Y153C, Y493C, Y397C, Y434C, Y393C.
Identifiers: ClinVar variation 67206 (VCV000067206.10), dbSNP rs199472911, ClinGen allele CA004695.

ClinVar aggregate classification (germline): Likely pathogenic. Review status: criteria provided, multiple submitters, no conflicts (2 of 4 stars). 3 submissions from 3 submitters: Likely pathogenic (2). 1 of the submissions does not count toward it. Last evaluated 2022-03-19.

Conditions:
Familial long QT syndrome (RWS). Also called: Congenital long QT syndrome; Romano-Ward syndrome; VENTRICULAR FIBRILLATION WITH PROLONGED QT INTERVAL. Identifiers: Orphanet 768, MedGen C1141890, MONDO:0019171.
Long QT syndrome (LQTS). Identifiers: MedGen C0023976, MeSH D008133, MONDO:0002442. Disease mechanism: loss of function. Inheritance: Various modes of inheritance.

Submissions (3):

Labcorp Genetics (formerly Invitae), Labcorp
Classification: Likely pathogenic for Long QT syndrome. Last evaluated: 2022-03-19. Review status: criteria provided, single submitter. Criteria: Invitae Variant Classification Sherloc (09022015). Collection method: clinical testing. Allele origin: germline.
Comment: This variant is not present in population databases (gnomAD no frequency). This sequence change replaces tyrosine, which is neutral and polar, with cysteine, which is neutral and slightly polar, at codon 493 of the KCNH2 protein (p.Tyr493Cys). This missense change has been observed in individual(s) with long QT syndrome (PMID: 22949429). In at least one individual the variant was observed to be de novo. ClinVar contains an entry for this variant (Variation ID: 67206). Algorithms developed to predict the effect of missense changes on protein structure and function (SIFT, PolyPhen-2, Align-GVGD) all suggest that this variant is likely to be disruptive. This variant disrupts the p.Tyr493 amino acid residue in KCNH2. Other variant(s) that disrupt this residue have been observed in individuals with KCNH2-related conditions (PMID: 19668779), which suggests that this may be a clinically significant amino acid residue. In summary, the currently available evidence indicates that the variant is pathogenic, but additional data are needed to prove that conclusively. Therefore, this variant has been classified as Likely Pathogenic.

GeneDx
Classification: Likely pathogenic. Last evaluated: 2021-01-15. Review status: criteria provided, single submitter. Criteria: GeneDx Variant Classification Process June 2021. Collection method: clinical testing. Allele origin: germline. Affected: yes.
Comment: Not observed in large population cohorts (Lek et al., 2016); In silico analysis supports that this missense variant has a deleterious effect on protein structure/function; This variant is associated with the following publications: (PMID: 19716085, 14998624, 19841300, 22949429)

Cardiovascular Biomedical Research Unit, Royal Brompton & Harefield NHS Foundation Trust
No classification provided. Condition: Familial long QT syndrome. Review status: no classification provided. Collection method: literature only. Allele origin: germline. Not counted in ClinVar's aggregate classification.
Comment: This variant has been reported as associated with Long QT syndrome in the following publications (PMID:14998624;PMID:19716085;PMID:19841300). This is a literature report, and does not necessarily reflect the clinical interpretation of the Imperial College / Royal Brompton Cardiovascular Genetics laboratory.

Literature cited by the submitters: PubMed 22949429 (cited by Labcorp Genetics (formerly Invitae), Labcorp); PubMed 19668779 (cited by Labcorp Genetics (formerly Invitae), Labcorp); PubMed 14998624 (cited by Cardiovascular Biomedical Research Unit, Royal Brompton & Harefield NHS Foundation Trust); PubMed 19716085 (cited by Cardiovascular Biomedical Research Unit, Royal Brompton & Harefield NHS Foundation Trust); PubMed 19841300 (cited by Cardiovascular Biomedical Research Unit, Royal Brompton & Harefield NHS Foundation Trust); PubMed 22581653 (cited by Cardiovascular Biomedical Research Unit, Royal Brompton & Harefield NHS Foundation Trust).